The following is an entry in ClinVar:

ClinVar aggregate classification (germline): Pathogenic/Likely pathogenic. Review status: criteria provided, multiple submitters, no conflicts (2 of 4 stars). 3 submissions from 3 submitters: Pathogenic (2); Likely pathogenic (1). Last evaluated 2023-10-29.

Conditions:
CSPP1-related disorder. Also called: CSPP1-related condition.
Joubert syndrome 21 (JBTS21). Identifiers: MedGen C3810212, MONDO:0014288, OMIM 615636.

Allele frequency attached by ClinVar (database versions not stated): gnomAD exomes 0.00001 and 0.00002; ExAC 0.00002; ESP Exome Variant Server 0.00009.

Submissions (3):

Labcorp Genetics (formerly Invitae), Labcorp
Classification: Pathogenic for Joubert syndrome 21. Last evaluated: 2023-10-29. Review status: criteria provided, single submitter. Criteria: Invitae Variant Classification Sherloc (09022015). Collection method: clinical testing. Allele origin: germline.
Comment: This sequence change creates a premature translational stop signal (p.Arg153Glyfs*2) in the CSPP1 gene. It is expected to result in an absent or disrupted protein product. Loss-of-function variants in CSPP1 are known to be pathogenic (PMID: 24360807, 24360808). This variant is present in population databases (rs750696284, gnomAD 0.01%). This premature translational stop signal has been observed in individual(s) with Joubert syndrome (PMID: 27434533). In at least one individual the data is consistent with being in trans (on the opposite chromosome) from a pathogenic variant. ClinVar contains an entry for this variant (Variation ID: 450360). For these reasons, this variant has been classified as Pathogenic.

Blueprint Genetics
Classification: Likely pathogenic for CSPP1-related disorders. Last evaluated: 2020-08-13. Review status: criteria provided, single submitter. Criteria: ACMG Guidelines, 2015. Collection method: clinical testing. Allele origin: germline. Affected: yes. Observed: 1 variant allele.

GeneDx
Classification: Pathogenic. Last evaluated: 2019-07-01. Review status: criteria provided, single submitter. Criteria: GeneDx Variant Classification Process June 2021. Collection method: clinical testing. Allele origin: germline. Affected: yes.
Comment: Frameshift variant predicted to result in protein truncation or nonsense mediated decay in a gene for which loss-of-function is a known mechanism of disease; Not observed at a significant frequency in large population cohorts (Lek et al., 2016); This variant is associated with the following publications: (PMID: 27434533)

Literature cited by the submitters: PubMed 24360807 (cited by Labcorp Genetics (formerly Invitae), Labcorp); PubMed 24360808 (cited by Labcorp Genetics (formerly Invitae), Labcorp); PubMed 27434533 (cited by Labcorp Genetics (formerly Invitae), Labcorp).

NM_001382391.1(CSPP1):c.430_431del (p.Arg144fs)

Gene: CSPP1 (centrosome and spindle pole associated protein 1; plus strand). Cytogenetic location: 8q13.1.
Variant type: Deletion.
Coding change: c.430_431del on transcript NM_001382391.1 (MANE Select); coding-DNA positions 430 to 431, 2 bases deleted (AG; older notation c.430_431delAG).
Protein change: p.Arg144fs; shifts the reading frame from arginine 144.
Molecular consequence: frameshift variant. On other transcripts: 5 prime UTR variant (1).
Genome position (GRCh38, 1-based): chr8:67,093,588-67,093,589, AG deleted. VCF-style (leftmost placement, unchanged base first): chr8-67093587-CAG-C. GRCh37 (hg19) VCF-style: chr8-68005822-CAG-C.
Other names: c.-426_-425del (NM_001291339.2); c.349_350del, p.Arg117fs (NM_001363131.2, NM_001363133.2); c.430_431del, p.Arg144fs (NM_001363132.2); c.538_539del, p.Arg180fs (NM_001364869.1); c.457_458del, p.Arg153fs (NM_001364870.1); c.457_458delAG, p.Arg153Glyfs (NM_024790.7); c.457_458delAG (NM_024790.6); short protein forms R117fs, R144fs, R153fs, R180fs.
Identifiers: ClinVar variation 450360 (VCV000450360.8), dbSNP rs750696284, ClinGen allele CA4770287.